The following is an entry in ClinVar:

NM_001377265.1(MAPT):c.176C>T (p.Pro59Leu)

Gene: MAPT (microtubule associated protein tau). Cytogenetic location: 17q21.31.
Variant type: single nucleotide variant.
Coding change: c.176C>T on transcript NM_001377265.1 (MANE Select); coding-DNA position 176, C replaced by T.
Protein change: p.Pro59Leu; replaces proline 59 with leucine.
Molecular consequence: missense variant. On other transcripts: non-coding transcript variant (1), intron variant (3).
Genome position (GRCh38, 1-based): chr17:45,971,901, C>T. VCF-style: chr17-45971901-C-T. GRCh37 (hg19) VCF-style: chr17-44049267-C-T.
Other names: c.176C>T (NM_001123066.3); c.176C>T, p.Pro59Leu (NM_001123066.4, NM_001123067.4, NM_001203251.2 and 5 more transcripts); c.134-6474C>T (NM_001377268.1, NM_016834.5, NM_016841.5); short protein forms P59L.
Identifiers: ClinVar variation 1169744 (VCV001169744.21), dbSNP rs143138715, ClinGen allele CA8617543.

ClinVar aggregate classification (germline): Conflicting classifications of pathogenicity. Review status: criteria provided, conflicting classifications (1 of 4 stars). 5 submissions from 5 submitters: Uncertain significance (1); Benign (3). 1 of the submissions does not count toward it. Last evaluated 2025-09-14.

Conditions:
MAPT-related disorder. Also called: MAPT-related condition; MAPT-Related Disorders.
Frontotemporal dementia (FTD1). Also called: Dementia, frontotemporal, with or without parkinsonism; FRONTOTEMPORAL LOBAR DEGENERATION WITH TAU INCLUSIONS; FTLD WITH TAU INCLUSIONS; FRONTOTEMPORAL DEMENTIA WITH PARKINSONISM; FRONTOTEMPORAL LOBE DEMENTIA; MULTIPLE SYSTEM TAUOPATHY WITH PRESENILE DEMENTIA. Identifiers: Orphanet 282, MedGen C0338451, MONDO:0017276, OMIM 600274, HP:0002145.

Allele frequency attached by ClinVar (database versions not stated): gnomAD 0.00006; ESP Exome Variant Server 0.00008; gnomAD exomes 0.00008 and 0.00034; TOPMed 0.00018; ExAC 0.00023.
gnomAD v4.1: 128 of 1,614,108 alleles (0.0079%); highest among the groups gnomAD compares: Admixed American, 0.16%; 1 homozygote.

Submissions (5):

Labcorp Genetics (formerly Invitae), Labcorp
Classification: Benign for Frontotemporal dementia. Last evaluated: 2025-09-14. Review status: criteria provided, single submitter. Criteria: Invitae Variant Classification Sherloc (09022015). Collection method: clinical testing. Allele origin: germline.

CeGaT Center for Human Genetics Tuebingen
Classification: Uncertain significance. Last evaluated: 2025-08-01. Review status: criteria provided, single submitter. Criteria: CeGaT Center For Human Genetics Tuebingen Variant Classification Criteria Version 2. Collection method: clinical testing. Allele origin: germline. Affected: yes. Observed: 1 variant allele.
Comment: MAPT: PM2, BP4

GeneDx
Classification: Benign. Last evaluated: 2020-12-01. Review status: criteria provided, single submitter. Criteria: GeneDx Variant Classification Process June 2021. Collection method: clinical testing. Allele origin: germline. Affected: yes.

Breakthrough Genomics
Classification: Benign. Review status: criteria provided, single submitter. Criteria: ACMG Guidelines, 2015. Collection method: not provided. Allele origin: germline. Inheritance: Autosomal recessive inheritance. Affected: yes.

PreventionGenetics, part of Exact Sciences
Classification: Likely benign for MAPT-related condition. Last evaluated: 2023-02-23. Review status: no assertion criteria provided. Collection method: clinical testing. Allele origin: germline. Not counted in ClinVar's aggregate classification.
Comment: This variant is classified as likely benign based on ACMG/AMP sequence variant interpretation guidelines (Richards et al. 2015 PMID: 25741868, with internal and published modifications).